The following is an entry in ClinVar:

ClinVar aggregate classification (germline): Uncertain significance (1 of 4 stars; one submission).

Conditions:
Atrial fibrillation, familial, 7 (ATFB7). Identifiers: MedGen C2677106, MONDO:0012828, OMIM 612240.

Submission:

Labcorp Genetics (formerly Invitae), Labcorp
Classification: Uncertain significance for Atrial fibrillation, familial, 7. Last evaluated: 2021-09-14. Review status: criteria provided, single submitter. Criteria: Invitae Variant Classification Sherloc (09022015). Collection method: clinical testing. Allele origin: germline.
Comment: This sequence change replaces aspartic acid with glutamic acid at codon 157 of the KCNA5 protein (p.Asp157Glu). The aspartic acid residue is highly conserved and there is a small physicochemical difference between aspartic acid and glutamic acid. This variant is present in population databases (rs200395850, ExAC 0.002%). This variant has not been reported in the literature in individuals affected with KCNA5-related conditions. Algorithms developed to predict the effect of missense changes on protein structure and function are either unavailable or do not agree on the potential impact of this missense change (SIFT: "Deleterious"; PolyPhen-2: "Probably Damaging"; Align-GVGD: "Class C0"). In summary, the available evidence is currently insufficient to determine the role of this variant in disease. Therefore, it has been classified as a Variant of Uncertain Significance.

NM_002234.4(KCNA5):c.471C>A (p.Asp157Glu)

Gene: KCNA5 (potassium voltage-gated channel subfamily A member 5; plus strand). Cytogenetic location: 12p13.32.
Variant type: single nucleotide variant.
Coding change: c.471C>A on transcript NM_002234.4 (MANE Select); coding-DNA position 471, C replaced by A.
Protein change: p.Asp157Glu; replaces aspartic acid 157 with glutamic acid.
Molecular consequence: missense variant.
Genome position (GRCh38, 1-based): chr12:5,044,618, C>A. VCF-style: chr12-5044618-C-A. GRCh37 (hg19) VCF-style: chr12-5153784-C-A.
Other names: short protein forms D157E.
Identifiers: ClinVar variation 1479880 (VCV001479880.6), dbSNP rs200395850, ClinGen allele CA6399632.